The following is an entry in ClinVar:

NM_013254.4(TBK1):c.758A>C (p.Glu253Ala)

Gene: TBK1 (TANK binding kinase 1; plus strand). Cytogenetic location: 12q14.2.
Variant type: single nucleotide variant.
Coding change: c.758A>C on transcript NM_013254.4 (MANE Select); coding-DNA position 758, A replaced by C.
Protein change: p.Glu253Ala; replaces glutamic acid 253 with alanine.
Molecular consequence: missense variant.
Genome position (GRCh38, 1-based): chr12:64,480,068, A>C. VCF-style: chr12-64480068-A-C. GRCh37 (hg19) VCF-style: chr12-64873848-A-C.
Other names: short protein forms E253A.
Identifiers: ClinVar variation 2031246 (VCV002031246.4), dbSNP rs767796656, ClinGen allele CA6668890.

ClinVar aggregate classification (germline): Uncertain significance (1 of 4 stars; one submission).

Conditions:
Frontotemporal dementia and/or amyotrophic lateral sclerosis 4. Also called: FTDALS4. Identifiers: Orphanet 275872, MedGen C4225325, MONDO:0014641, OMIM 616439.

Allele frequency attached by ClinVar (database versions not stated): gnomAD 0.00001; TOPMed 0.00003; ExAC 0.00001.
gnomAD v4.1: 2 of 1,613,216 alleles (0.00012%); highest among the groups gnomAD compares: Non-Finnish European, 0.00017%; no homozygotes.

Submission:

Labcorp Genetics (formerly Invitae), Labcorp
Classification: Uncertain significance for Frontotemporal dementia and/or amyotrophic lateral sclerosis 4. Last evaluated: 2025-08-17. Review status: criteria provided, single submitter. Criteria: Invitae Variant Classification Sherloc (09022015). Collection method: clinical testing. Allele origin: germline.
Comment: This sequence change replaces glutamic acid, which is acidic and polar, with alanine, which is neutral and non-polar, at codon 253 of the TBK1 protein (p.Glu253Ala). This variant is present in population databases (rs767796656, gnomAD 0.0009%). This variant has not been reported in the literature in individuals affected with TBK1-related conditions. ClinVar contains an entry for this variant (Variation ID: 2031246). Invitae Evidence Modeling of protein sequence and biophysical properties (such as structural, functional, and spatial information, amino acid conservation, physicochemical variation, residue mobility, and thermodynamic stability) indicates that this missense variant is not expected to disrupt TBK1 protein function with a negative predictive value of 95%. In summary, the available evidence is currently insufficient to determine the role of this variant in disease. Therefore, it has been classified as a Variant of Uncertain Significance.